The following is an entry in ClinVar:

NM_000081.4(LYST):c.10799C>T (p.Thr3600Met)

Gene: LYST (lysosomal trafficking regulator; minus strand). Cytogenetic location: 1q42.3.
Variant type: single nucleotide variant.
Coding change: c.10799C>T on transcript NM_000081.4 (MANE Select); coding-DNA position 10799, C replaced by T.
Protein change: p.Thr3600Met; replaces threonine 3600 with methionine.
Molecular consequence: missense variant.
Genome position (GRCh38, 1-based): chr1:235,686,950, G>A on the plus strand (C>T on the coding strand, the complement: LYST is on the minus strand). VCF-style: chr1-235686950-G-A. GRCh37 (hg19) VCF-style: chr1-235850250-G-A.
Other names: p.Thr3600Met; c.10799C>T (NM_000081.2); c.10799C>T, p.Thr3600Met (NM_001301365.1); short protein forms T3600M.
Identifiers: ClinVar variation 946261 (VCV000946261.7), dbSNP rs368562685, ClinGen allele CA1465290.

ClinVar aggregate classification (germline): Uncertain significance. Review status: criteria provided, multiple submitters, no conflicts (2 of 4 stars). 3 submissions from 3 submitters: Uncertain significance (3). Last evaluated 2025-11-16.

Conditions:
Chédiak-Higashi syndrome (CHS). Also called: Chediak-Higashi Syndrome. Identifiers: Orphanet 167, MedGen C0007965, MONDO:0008963, OMIM 214500.
Inborn genetic diseases. Identifiers: MedGen C0950123, MeSH D030342.

Allele frequency attached by ClinVar (database versions not stated): ExAC 0.00004; gnomAD 0.00005; TOPMed 0.00005; ESP Exome Variant Server 0.00008; gnomAD exomes 0.00009.
gnomAD v4.1: 137 of 1,613,086 alleles (0.0085%); highest among the groups gnomAD compares: Middle Eastern, 0.016%; no homozygotes.

Submissions (3):

Mayo Clinic Laboratories, Mayo Clinic
Classification: Uncertain significance. Last evaluated: 2025-11-16. Review status: criteria provided, single submitter. Criteria: ACMG Guidelines, 2015. Collection method: clinical testing. Allele origin: germline. Observed: 1 variant allele.
Comment: BP4_moderate

Ambry Genetics
Classification: Uncertain significance for Inborn genetic diseases. Last evaluated: 2024-07-09. Review status: criteria provided, single submitter. Criteria: Ambry Variant Classification Scheme 2023. Collection method: clinical testing. Allele origin: germline.

Labcorp Genetics (formerly Invitae), Labcorp
Classification: Uncertain significance for Chédiak-Higashi syndrome. Last evaluated: 2022-08-31. Review status: criteria provided, single submitter. Criteria: Invitae Variant Classification Sherloc (09022015). Collection method: clinical testing. Allele origin: germline.
Comment: This sequence change replaces threonine, which is neutral and polar, with methionine, which is neutral and non-polar, at codon 3600 of the LYST protein (p.Thr3600Met). This variant is present in population databases (rs368562685, gnomAD 0.009%). This variant has not been reported in the literature in individuals affected with LYST-related conditions. ClinVar contains an entry for this variant (Variation ID: 946261). Algorithms developed to predict the effect of missense changes on protein structure and function (SIFT, PolyPhen-2, Align-GVGD) all suggest that this variant is likely to be tolerated. Algorithms developed to predict the effect of sequence changes on RNA splicing suggest that this variant may disrupt the consensus splice site. In summary, the available evidence is currently insufficient to determine the role of this variant in disease. Therefore, it has been classified as a Variant of Uncertain Significance.